The following is an entry in ClinVar:

NM_001369.3(DNAH5):c.3567T>G (p.Tyr1189Ter)

Genes: DNAH5 (dynein axonemal heavy chain 5; minus strand), DNAH5-AS1 (DNAH5 antisense RNA 1; plus strand). Cytogenetic location: 5p15.2.
Variant type: single nucleotide variant.
Coding change: c.3567T>G on transcript NM_001369.3 (MANE Select); coding-DNA position 3567, T replaced by G.
Protein change: p.Tyr1189Ter; replaces tyrosine 1189 with a stop codon.
Molecular consequence: nonsense.
Genome position (GRCh38, 1-based): chr5:13,871,595, A>C on the plus strand (T>G on the coding strand, the complement: DNAH5 is on the minus strand). VCF-style: chr5-13871595-A-C. GRCh37 (hg19) VCF-style: chr5-13871704-A-C.
Other names: short protein forms Y1189*.
Identifiers: ClinVar variation 5012906 (VCV005012906.1).

ClinVar aggregate classification (germline): Pathogenic (1 of 4 stars; one submission).

Conditions:
Primary ciliary dyskinesia 3. Identifiers: Orphanet 244, MedGen C1837618, MONDO:0012085, OMIM 608644.

gnomAD v4.1: 1 of 1,613,640 alleles (0.000062%); highest among the groups gnomAD compares: African/African-American, 0.0013%; no homozygotes.

Submission:

Myriad Genetics, Inc.
Classification: Pathogenic for Primary ciliary dyskinesia 3. Last evaluated: 2024-04-09. Review status: criteria provided, single submitter. Criteria: Myriad Autosomal Dominant, Autosomal Recessive and X-Linked Classification Criteria (2023). Collection method: clinical testing. Allele origin: unknown.
Comment: NM_001369.2(DNAH5):c.3567T>G(Y1189*) is expected to be pathogenic in the context of primary ciliary dyskinesia, DNAH5-related. This variant is predicted to lead to an abnormal or absent protein product due to the creation of a premature termination codon in DNAH5, a gene where loss-of-function variants are known to be pathogenic. Please note: this variant was assessed in the context of healthy population screening.